The following is an entry in ClinVar:

NM_025074.7(FRAS1):c.10852A>G (p.Thr3618Ala)

Gene: FRAS1 (Fraser extracellular matrix complex subunit 1; plus strand). Cytogenetic location: 4q21.21.
Variant type: single nucleotide variant.
Coding change: c.10852A>G on transcript NM_025074.7 (MANE Select); coding-DNA position 10852, A replaced by G.
Protein change: p.Thr3618Ala; replaces threonine 3618 with alanine.
Molecular consequence: missense variant.
Genome position (GRCh38, 1-based): chr4:78,526,584, A>G. VCF-style: chr4-78526584-A-G. GRCh37 (hg19) VCF-style: chr4-79447738-A-G.
Other names: short protein forms T3618A.
Identifiers: ClinVar variation 349810 (VCV000349810.11), dbSNP rs192225415, ClinGen allele CA2979089.

ClinVar aggregate classification (germline): Conflicting classifications of pathogenicity. Review status: criteria provided, conflicting classifications (1 of 4 stars). 4 submissions from 4 submitters: Uncertain significance (1); Likely benign (2). 1 of the submissions does not count toward it. Last evaluated 2026-01-18.

Conditions:
FRAS1-related disorder. Also called: FRAS1-related condition.
Fraser syndrome 1 (FRASRS1). Also called: CRYPTOPHTHALMOS WITH OTHER MALFORMATIONS. Identifiers: Orphanet 2052, MedGen C4551480, MONDO:0054737, OMIM 219000.
Inborn genetic diseases. Identifiers: MedGen C0950123, MeSH D030342.

Allele frequency attached by ClinVar (database versions not stated): gnomAD exomes 0.00002 and 0.00015; TOPMed 0.00005; gnomAD 0.00006 and 0.00007; ExAC 0.00030; 1000 Genomes Project 0.00040; 1000 Genomes Project 30x 0.00047.
gnomAD v4.1: 36 of 1,602,952 alleles (0.0022%); highest among the groups gnomAD compares: East Asian, 0.059%; no homozygotes.

Submissions (4):

Labcorp Genetics (formerly Invitae), Labcorp
Classification: Likely benign. Last evaluated: 2026-01-18. Review status: criteria provided, single submitter. Criteria: Invitae Variant Classification Sherloc (09022015). Collection method: clinical testing. Allele origin: germline.

Ambry Genetics
Classification: Uncertain significance for Inborn genetic diseases. Last evaluated: 2024-04-23. Review status: criteria provided, single submitter. Criteria: Ambry Variant Classification Scheme 2023. Collection method: clinical testing. Allele origin: germline.

Illumina Laboratory Services, Illumina
Classification: Likely benign for Fraser syndrome 1. Last evaluated: 2018-01-12. Review status: criteria provided, single submitter. Criteria: ICSL Variant Classification Criteria 13 December 2019. Collection method: clinical testing. Allele origin: germline.
Comment: This variant was observed in the ICSL laboratory as part of a predisposition screen in an ostensibly healthy population. It had not been previously curated by ICSL or reported in the Human Gene Mutation Database (HGMD: prior to June 1st, 2018), and was therefore a candidate for classification through an automated scoring system. Utilizing variant allele frequency, disease prevalence and penetrance estimates, and inheritance mode, an automated score was calculated to assess if this variant is too frequent to cause the disease. Based on the score and internal cut-off values, a variant classified as likely benign is not then subjected to further curation. The score for this variant resulted in a classification of likely benign for this disease.

PreventionGenetics, part of Exact Sciences
Classification: Likely benign for FRAS1-related condition. Last evaluated: 2023-08-07. Review status: no assertion criteria provided. Collection method: clinical testing. Allele origin: germline. Not counted in ClinVar's aggregate classification.
Comment: This variant is classified as likely benign based on ACMG/AMP sequence variant interpretation guidelines (Richards et al. 2015 PMID: 25741868, with internal and published modifications).